The following is an entry in ClinVar:

NM_006302.3(MOGS):c.2252G>A (p.Arg751Gln)

Gene: MOGS (mannosyl-oligosaccharide glucosidase; minus strand). Cytogenetic location: 2p13.1.
Variant type: single nucleotide variant.
Coding change: c.2252G>A on transcript NM_006302.3 (MANE Select); coding-DNA position 2252, G replaced by A.
Protein change: p.Arg751Gln; replaces arginine 751 with glutamine.
Molecular consequence: missense variant.
Genome position (GRCh38, 1-based): chr2:74,461,537, C>T on the plus strand (G>A on the coding strand, the complement: MOGS is on the minus strand). VCF-style: chr2-74461537-C-T. GRCh37 (hg19) VCF-style: chr2-74688664-C-T.
Other names: c.1934G>A, p.Arg645Gln (NM_001146158.2); short protein forms R645Q, R751Q.
Identifiers: ClinVar variation 2155821 (VCV002155821.2), dbSNP rs775182596, ClinGen allele CA1724626.
Genomic context (GRCh38, chr2:74,461,537, plus strand): 5'-TGCCCATAGTGGTGGAGTGCTCCCAAAGCCAGGTAGTTGACATTGAGCCACACAGCACCC[C>T]GCCAGTAGGGGGGATCATGCTCTGAATTGCGCTGGCCATAAAAGGAGCTGGAGGCTGCAA-3'
Protein context (NP_006293.2, residues 741-761): RNSEHDPPYW[Arg751Gln]GAVWLNVNYL

ClinVar aggregate classification (germline): Uncertain significance (1 of 4 stars; one submission).

Conditions:
MOGS-congenital disorder of glycosylation. Also called: GLUCOSIDASE I DEFICIENCY; MOGS-CDG; CDG IIb; CDG 2B. Identifiers: Orphanet 79330, MedGen C1853736, MONDO:0011629, OMIM 606056.

Allele frequency attached by ClinVar (database versions not stated): gnomAD 0.00002; TOPMed 0.00002; ExAC 0.00004.
gnomAD v4.1: 49 of 1,613,832 alleles (0.003%); highest among the groups gnomAD compares: Admixed American, 0.0067%; no homozygotes.

Submission:

Labcorp Genetics (formerly Invitae), Labcorp
Classification: Uncertain significance for MOGS-congenital disorder of glycosylation. Last evaluated: 2023-04-01. Review status: criteria provided, single submitter. Criteria: Invitae Variant Classification Sherloc (09022015). Collection method: clinical testing. Allele origin: germline.
Comment: In summary, the available evidence is currently insufficient to determine the role of this variant in disease. Therefore, it has been classified as a Variant of Uncertain Significance. Advanced modeling of protein sequence and biophysical properties (such as structural, functional, and spatial information, amino acid conservation, physicochemical variation, residue mobility, and thermodynamic stability) performed at Invitae indicates that this missense variant is expected to disrupt MOGS protein function. ClinVar contains an entry for this variant (Variation ID: 2155821). This variant has not been reported in the literature in individuals affected with MOGS-related conditions. This variant is present in population databases (rs775182596, gnomAD 0.01%). This sequence change replaces arginine, which is basic and polar, with glutamine, which is neutral and polar, at codon 751 of the MOGS protein (p.Arg751Gln).